The following is an entry in ClinVar:

NM_001365951.3(KIF1B):c.1376G>C (p.Ser459Thr)

Gene: KIF1B (kinesin family member 1B; plus strand). Cytogenetic location: 1p36.22.
Variant type: single nucleotide variant.
Coding change: c.1376G>C on transcript NM_001365951.3 (MANE Select); coding-DNA position 1376, G replaced by C.
Protein change: p.Ser459Thr; replaces serine 459 with threonine.
Molecular consequence: missense variant.
Genome position (GRCh38, 1-based): chr1:10,282,475, G>C. VCF-style: chr1-10282475-G-C. GRCh37 (hg19) VCF-style: chr1-10342533-G-C.
Other names: c.1376G>C, p.Ser459Thr (NM_001365952.1); c.1238G>C, p.Ser413Thr (NM_001365953.1, NM_015074.3, NM_183416.4); short protein forms S413T, S459T.
Identifiers: ClinVar variation 3864067 (VCV003864067.1).
Genomic context (GRCh38, chr1:10,282,475, plus strand): 5'-TCACTTCATCCCCATCTTCCTGCTCACTCAGTAGTCAGGTGGGCTTGACGTCTGTGACCA[G>C]TATTCAAGAGAGGATCATGTCTACACCTGGAGGAGAGGAAGCTATTGAACGTTTAAAGGT-3'
Protein context (NP_001352880.1, residues 449-469): SSQVGLTSVT[Ser459Thr]IQERIMSTPG

ClinVar aggregate classification (germline): Uncertain significance (1 of 4 stars; one submission).

gnomAD v4.1: 1 of 1,614,120 alleles (0.000062%); highest among the groups gnomAD compares: Non-Finnish European, 0.000085%; no homozygotes.

Submission:

Ambry Genetics
Classification: Uncertain significance. Last evaluated: 2025-01-10. Review status: criteria provided, single submitter. Criteria: Ambry Variant Classification Scheme 2023. Collection method: clinical testing. Allele origin: germline.
Comment: The p.S413T variant (also known as c.1238G>C), located in coding exon 12 of the KIF1B gene, results from a G to C substitution at nucleotide position 1238. The serine at codon 413 is replaced by threonine, an amino acid with similar properties. This amino acid position is conserved. In addition, this alteration is predicted to be tolerated by in silico analysis. Based on the available evidence, the clinical significance of this variant remains unclear.